The following is an entry in ClinVar:

ClinVar aggregate classification (germline): Uncertain significance (1 of 4 stars; one submission).

Conditions:
Epidermolysis bullosa simplex 5B, with muscular dystrophy (EBS5B). Also called: EPIDERMOLYSIS BULLOSA SIMPLEX AND LIMB-GIRDLE MUSCULAR DYSTROPHY; Epidermolysis bullosa simplex with muscular dystrophy. Identifiers: Orphanet 257, MedGen C2931072, MONDO:0009181, OMIM 226670.
Epidermolysis bullosa simplex, Ogna type (EBS5A). Also called: EPIDERMOLYSIS BULLOSA SIMPLEX 5A, OGNA TYPE; Pidermolysis bullosa simplex 5A, Ogna type. Identifiers: Orphanet 79401, MedGen C0432317, MONDO:0007555, OMIM 131950.
Epidermolysis bullosa simplex 5C, with pyloric atresia (EBS5C). Also called: PLEC-Related Epidermolysis Bullosa with Pyloric Atresia; Epidermolysis bullosa simplex with pyloric atresia; PLEC1-Related Epidermolysis Bullosa with Pyloric Atresia. Identifiers: Orphanet 158684, MedGen C2677349, MONDO:0012807, OMIM 612138.
Autosomal recessive limb-girdle muscular dystrophy type 2Q (LGMDR17). Also called: MUSCULAR DYSTROPHY, LIMB-GIRDLE, AUTOSOMAL RECESSIVE 17. Identifiers: Orphanet 254361, MedGen C3150989, MONDO:0013390, OMIM 613723.
Epidermolysis bullosa simplex with nail dystrophy (EBS5D). Identifiers: MedGen C4225309, MONDO:0014661, OMIM 616487.

gnomAD v4.1: 1 of 1,547,652 alleles (0.000065%); highest among the groups gnomAD compares: Admixed American, 0.0019%; no homozygotes.

Submission:

Labcorp Genetics (formerly Invitae), Labcorp
Classification: Uncertain significance for Autosomal recessive limb-girdle muscular dystrophy type 2Q; Epidermolysis bullosa simplex, Ogna type; Epidermolysis bullosa simplex with nail dystrophy; Epidermolysis bullosa simplex 5C, with pyloric atresia; Epidermolysis bullosa simplex 5B, with muscular dystrophy. Last evaluated: 2025-10-02. Review status: criteria provided, single submitter. Criteria: Invitae Variant Classification Sherloc (09022015). Collection method: clinical testing. Allele origin: germline.
Comment: This sequence change replaces lysine, which is basic and polar, with glutamic acid, which is acidic and polar, at codon 2596 of the PLEC protein (p.Lys2596Glu). This variant is not present in population databases (gnomAD no frequency). This variant has not been reported in the literature in individuals affected with PLEC-related conditions. ClinVar contains an entry for this variant (Variation ID: 1982573). Invitae Evidence Modeling of protein sequence and biophysical properties (such as structural, functional, and spatial information, amino acid conservation, physicochemical variation, residue mobility, and thermodynamic stability) indicates that this missense variant is not expected to disrupt PLEC protein function with a negative predictive value of 80%. In summary, the available evidence is currently insufficient to determine the role of this variant in disease. Therefore, it has been classified as a Variant of Uncertain Significance.

NM_201384.3(PLEC):c.7705A>G (p.Lys2569Glu)

Gene: PLEC (plectin; minus strand). Cytogenetic location: 8q24.3.
Variant type: single nucleotide variant.
Coding change: c.7705A>G on transcript NM_201384.3 (MANE Select); coding-DNA position 7705, A replaced by G.
Protein change: p.Lys2569Glu; replaces lysine 2569 with glutamic acid.
Molecular consequence: missense variant.
Genome position (GRCh38, 1-based): chr8:143,922,116, T>C on the plus strand (A>G on the coding strand, the complement: PLEC is on the minus strand). VCF-style: chr8-143922116-T-C. GRCh37 (hg19) VCF-style: chr8-144996284-T-C.
Other names: c.7609A>G, p.Lys2537Glu (NM_201381.3); c.7705A>G, p.Lys2569Glu (NM_201382.4); c.7717A>G, p.Lys2573Glu (NM_201383.3); c.7786A>G, p.Lys2596Glu (NM_000445.5); c.4405A>G, p.Lys1469Glu (NM_001410941.1); c.7663A>G, p.Lys2555Glu (NM_201378.4); c.7639A>G, p.Lys2547Glu (NM_201379.3); c.8116A>G, p.Lys2706Glu (NM_201380.4); short protein forms K2555E, K2569E, K2706E, K2547E, K2596E, K1469E, K2573E, K2537E.
Identifiers: ClinVar variation 1982573 (VCV001982573.4), dbSNP rs1823000475, ClinGen allele CA372522928.
Genomic context (GRCh38, chr8:143,922,116, plus strand): 5'-CAGCCAGCAGCTCCTCCTGCTGCCGCCGCTGCTGCTCCAGCTGCTGCAGCTCCTCCTGCT[T>C]GCGCCGCACGCCCTCCTCGGCCTCATGCTGCCGCCGCCGCGCCTCCTCCATGCTGGCCAC-3'
Protein context (NP_958786.1, residues 2559-2579): QHEAEEGVRR[Lys2569Glu]QEELQQLEQQ